The following is an entry in ClinVar:

NM_004356.4(CD81):c.709T>A (p.Ter237Arg)

Gene: CD81 (CD81 molecule; plus strand). Cytogenetic location: 11p15.5.
Variant type: single nucleotide variant.
Coding change: c.709T>A on transcript NM_004356.4 (MANE Select); coding-DNA position 709, T replaced by A.
Protein change: p.Ter237Arg.
Molecular consequence: stop lost.
Genome position (GRCh38, 1-based): chr11:2,396,864, T>A. VCF-style: chr11-2396864-T-A. GRCh37 (hg19) VCF-style: chr11-2418094-T-A.
Other names: c.496T>A, p.Ter166Arg (NM_001297649.2, NM_001425129.1, NM_001425130.1 and 3 more transcripts); c.832T>A, p.Ter278Arg (NM_001425135.1); c.706T>A, p.Ter236Arg (NM_001425137.1); c.493T>A, p.Ter165Arg (NM_001425138.1).
Identifiers: ClinVar variation 4806213 (VCV004806213.1).

ClinVar aggregate classification (germline): Uncertain significance (1 of 4 stars; one submission).

Submission:

Labcorp Genetics (formerly Invitae), Labcorp
Classification: Uncertain significance. Last evaluated: 2025-08-24. Review status: criteria provided, single submitter. Criteria: Invitae Variant Classification Sherloc (09022015). Collection method: clinical testing. Allele origin: germline.
Comment: This sequence change disrupts the translational stop signal of the CD81 mRNA. It is expected to extend the length of the CD81 protein by 16 additional amino acid residues. This variant is not present in population databases (gnomAD no frequency). This variant has not been reported in the literature in individuals affected with CD81-related conditions. Experimental studies and prediction algorithms are not available or were not evaluated, and the functional significance of this variant is currently unknown. In summary, the available evidence is currently insufficient to determine the role of this variant in disease. Therefore, it has been classified as a Variant of Uncertain Significance.